The following is an entry in ClinVar:

NM_003737.4(DCHS1):c.6113T>C (p.Ile2038Thr)

Gene: DCHS1 (dachsous cadherin-related 1; minus strand). Cytogenetic location: 11p15.4.
Variant type: single nucleotide variant.
Coding change: c.6113T>C on transcript NM_003737.4 (MANE Select); coding-DNA position 6113, T replaced by C.
Protein change: p.Ile2038Thr; replaces isoleucine 2038 with threonine.
Molecular consequence: missense variant.
Genome position (GRCh38, 1-based): chr11:6,626,926, A>G on the plus strand (T>C on the coding strand, the complement: DCHS1 is on the minus strand). VCF-style: chr11-6626926-A-G. GRCh37 (hg19) VCF-style: chr11-6648157-A-G.
Other names: short protein forms I2038T.
Identifiers: ClinVar variation 3663511 (VCV003663511.2).

ClinVar aggregate classification (germline): Uncertain significance (1 of 4 stars; one submission).

gnomAD v4.1: 9 of 1,613,564 alleles (0.00056%); highest among the groups gnomAD compares: Non-Finnish European, 0.00076%; no homozygotes.

Submission:

Labcorp Genetics (formerly Invitae), Labcorp
Classification: Uncertain significance. Last evaluated: 2024-06-13. Review status: criteria provided, single submitter. Criteria: Invitae Variant Classification Sherloc (09022015). Collection method: clinical testing. Allele origin: germline.
Comment: This sequence change replaces isoleucine, which is neutral and non-polar, with threonine, which is neutral and polar, at codon 2038 of the DCHS1 protein (p.Ile2038Thr). This variant is present in population databases (rs768220924, gnomAD 0.0009%). This variant has not been reported in the literature in individuals affected with DCHS1-related conditions. Advanced modeling of protein sequence and biophysical properties (such as structural, functional, and spatial information, amino acid conservation, physicochemical variation, residue mobility, and thermodynamic stability) performed at Invitae indicates that this missense variant is not expected to disrupt DCHS1 protein function with a negative predictive value of 80%. In summary, the available evidence is currently insufficient to determine the role of this variant in disease. Therefore, it has been classified as a Variant of Uncertain Significance.